The following is an entry in ClinVar:

ClinVar aggregate classification (germline): Benign/Likely benign. Review status: criteria provided, multiple submitters, no conflicts (2 of 4 stars). 5 submissions from 5 submitters: Benign (1); Likely benign (2). 2 of the submissions do not count toward it. Last evaluated 2025-12-15.

Conditions:
Hyperlipidemia due to hepatic triglyceride lipase deficiency. Also called: LIPC DEFICIENCY. Identifiers: Orphanet 140905, MedGen C3151466, MONDO:0013533, OMIM 614025.

Allele frequency attached by ClinVar (database versions not stated): 1000 Genomes Project 30x 0.00031; 1000 Genomes Project 0.00040; ESP Exome Variant Server 0.00100; TOPMed 0.00109; gnomAD exomes 0.00179; ExAC 0.00252.
gnomAD v4.1: 2,614 of 1,607,212 alleles (0.16%); highest among the groups gnomAD compares: Non-Finnish European, 0.16%; 5 homozygotes.

Submissions (5):

Labcorp Genetics (formerly Invitae), Labcorp
Classification: Benign. Last evaluated: 2025-12-15. Review status: criteria provided, single submitter. Criteria: Invitae Variant Classification Sherloc (09022015). Collection method: clinical testing. Allele origin: germline.

Mayo Clinic Laboratories, Mayo Clinic
Classification: Likely benign. Last evaluated: 2025-10-27. Review status: criteria provided, single submitter. Criteria: ACMG Guidelines, 2015. Collection method: clinical testing. Allele origin: germline. Observed: 2 variant alleles.
Comment: BS2_supporting, BP4, BP7

Illumina Laboratory Services, Illumina
Classification: Likely benign for Hyperlipidemia due to hepatic triglyceride lipase deficiency. Last evaluated: 2018-01-13. Review status: criteria provided, single submitter. Criteria: ICSL Variant Classification Criteria 13 December 2019. Collection method: clinical testing. Allele origin: germline.
Comment: This variant was observed in the ICSL laboratory as part of a predisposition screen in an ostensibly healthy population. It had not been previously curated by ICSL or reported in the Human Gene Mutation Database (HGMD: prior to June 1st, 2018), and was therefore a candidate for classification through an automated scoring system. Utilizing variant allele frequency, disease prevalence and penetrance estimates, and inheritance mode, an automated score was calculated to assess if this variant is too frequent to cause the disease. Based on the score and internal cut-off values, a variant classified as likely benign is not then subjected to further curation. The score for this variant resulted in a classification of likely benign for this disease.

Clinical Genetics DNA and cytogenetics Diagnostics Lab, Erasmus MC, Erasmus Medical Center
Classification: Likely benign. Review status: no assertion criteria provided. Collection method: clinical testing. Allele origin: germline. Affected: yes. Study: VKGL Data-share Consensus. Not counted in ClinVar's aggregate classification.

Clinical Genetics, Academic Medical Center
Classification: Benign. Review status: no assertion criteria provided. Collection method: clinical testing. Allele origin: germline. Affected: yes. Study: VKGL Data-share Consensus. Not counted in ClinVar's aggregate classification.

NM_000236.3(LIPC):c.981C>T (p.His327=)

Gene: LIPC (lipase C, hepatic type; plus strand). Cytogenetic location: 15q21.3.
Variant type: single nucleotide variant.
Coding change: c.981C>T on transcript NM_000236.3 (MANE Select); coding-DNA position 981, C replaced by T.
Protein change: p.His327=; no amino-acid change (histidine 327 retained).
Molecular consequence: synonymous variant.
Genome position (GRCh38, 1-based): chr15:58,548,502, C>T. VCF-style: chr15-58548502-C-T. GRCh37 (hg19) VCF-style: chr15-58840701-C-T.
Other names: p.His327=.
Identifiers: ClinVar variation 886010 (VCV000886010.15), dbSNP rs142741286, ClinGen allele CA7585061.